The following is an entry in ClinVar:

ClinVar aggregate classification (germline): Uncertain significance. Review status: criteria provided, multiple submitters, no conflicts (2 of 4 stars). 3 submissions from 3 submitters: Uncertain significance (3). Last evaluated 2026-07-02.

Conditions:
Congenital myopathy 22A, classic (CMYO22A). Identifiers: MedGen C5830453, MONDO:0957247, OMIM 620351.
Hypokalemic periodic paralysis, type 2 (HOKPP2). Identifiers: Orphanet 681, MedGen C2750061, MONDO:0013234, OMIM 613345.
Hyperkalemic periodic paralysis. Also called: Gamstorp disease; Familial hyperkalemic periodic paralysis. Identifiers: Orphanet 682, MedGen C0238357, MONDO:0008224, OMIM 170500, HP:0007215.
Congenital myopathy 22B, severe fetal (CMYO22B). Identifiers: MedGen C5830501, MONDO:0957265, OMIM 620369.
Congenital myasthenic syndrome 16. Identifiers: Orphanet 590, MedGen C3280112, MONDO:0013620, OMIM 614198.
Potassium-aggravated myotonia. Also called: MYOTONIA CONGENITA, ACETAZOLAMIDE-RESPONSIVE; MYOTONIA CONGENITA, ATYPICAL; SODIUM CHANNEL MUSCLE DISEASE; Myotonia congenita, atypical, acetazolamide-responsive. Identifiers: Orphanet 612, Orphanet 99734, Orphanet 99735, Orphanet 99736, MedGen C2931826, MONDO:0018959, OMIM 608390.
Paramyotonia congenita of Von Eulenburg. Also called: PARALYSIS PERIODICA PARAMYOTONICA; Eulenburg disease; Myotonia congenita intermittens; Von Eulenburg paramyotonia congenita; Paramyotonia Congenita. Identifiers: Orphanet 684, MedGen C0221055, MONDO:0008195, OMIM 168300. Disease mechanism: loss of function.
Inborn genetic diseases. Identifiers: MedGen C0950123, MeSH D030342.

gnomAD v4.1: 1 of 1,613,896 alleles (0.000062%); no homozygotes.

Submissions (3):

Ambry Genetics
Classification: Uncertain significance for Inborn genetic diseases. Last evaluated: 2026-07-02. Review status: criteria provided, single submitter. Criteria: Ambry Variant Classification Scheme 2023. Collection method: clinical testing. Allele origin: germline.

Labcorp Genetics (formerly Invitae), Labcorp
Classification: Uncertain significance for Hyperkalemic periodic paralysis. Last evaluated: 2025-04-29. Review status: criteria provided, single submitter. Criteria: Invitae Variant Classification Sherloc (09022015). Collection method: clinical testing. Allele origin: germline.
Comment: This sequence change replaces alanine, which is neutral and non-polar, with threonine, which is neutral and polar, at codon 447 of the SCN4A protein (p.Ala447Thr). This variant is not present in population databases (gnomAD no frequency). This variant has not been reported in the literature in individuals affected with SCN4A-related conditions. ClinVar contains an entry for this variant (Variation ID: 3582698). Invitae Evidence Modeling of protein sequence and biophysical properties (such as structural, functional, and spatial information, amino acid conservation, physicochemical variation, residue mobility, and thermodynamic stability) indicates that this missense variant is not expected to disrupt SCN4A protein function with a negative predictive value of 95%. In summary, the available evidence is currently insufficient to determine the role of this variant in disease. Therefore, it has been classified as a Variant of Uncertain Significance.

Fulgent Genetics
Classification: Uncertain significance for Paramyotonia congenita of Von Eulenburg; Hyperkalemic periodic paralysis; Potassium-aggravated myotonia; Hypokalemic periodic paralysis, type 2; Congenital myasthenic syndrome 16; Congenital myopathy 22A, classic; Congenital myopathy 22B, severe fetal. Last evaluated: 2024-03-02. Review status: criteria provided, single submitter. Criteria: ACMG Guidelines, 2015. Collection method: clinical testing. Allele origin: germline.

NM_000334.4(SCN4A):c.1339G>A (p.Ala447Thr)

Gene: SCN4A (sodium voltage-gated channel alpha subunit 4; minus strand). Cytogenetic location: 17q23.3.
Variant type: single nucleotide variant.
Coding change: c.1339G>A on transcript NM_000334.4 (MANE Select); coding-DNA position 1339, G replaced by A.
Protein change: p.Ala447Thr; replaces alanine 447 with threonine.
Molecular consequence: missense variant.
Genome position (GRCh38, 1-based): chr17:63,964,581, C>T on the plus strand (G>A on the coding strand, the complement: SCN4A is on the minus strand). VCF-style: chr17-63964581-C-T. GRCh37 (hg19) VCF-style: chr17-62041941-C-T.
Other names: short protein forms A447T.
Identifiers: ClinVar variation 3582698 (VCV003582698.3).